The following is an entry in ClinVar:

NM_002336.3(LRP6):c.3305G>C (p.Ser1102Thr)

Gene: LRP6 (LDL receptor related protein 6; minus strand). Cytogenetic location: 12p13.2.
Variant type: single nucleotide variant.
Coding change: c.3305G>C on transcript NM_002336.3 (MANE Select); coding-DNA position 3305, G replaced by C.
Protein change: p.Ser1102Thr; replaces serine 1102 with threonine.
Molecular consequence: missense variant. On other transcripts: non-coding transcript variant (1).
Genome position (GRCh38, 1-based): chr12:12,147,458, C>G on the plus strand (G>C on the coding strand, the complement: LRP6 is on the minus strand). VCF-style: chr12-12147458-C-G. GRCh37 (hg19) VCF-style: chr12-12300392-C-G.
Other names: c.2852G>C, p.Ser951Thr (NM_001414253.1, NM_001414254.1, NM_001414252.1); c.2798G>C, p.Ser933Thr (NM_001414255.1); c.3305G>C, p.Ser1102Thr (NM_001414244.1, NM_001414245.1, NM_001414246.1 and 4 more transcripts); c.3107G>C, p.Ser1036Thr (NM_001414247.1); short protein forms S1102T, S1036T, S951T, S933T.
Identifiers: ClinVar variation 2747938 (VCV002747938.3), dbSNP rs1231233386, ClinGen allele CA383940857.
Genomic context (GRCh38, chr12:12,147,458, plus strand): 5'-TCTGAATCAGCCCAAAAGAGCTTGCCCAGCCTGCTATCAAGGGCTAAAGCAATTGGTTTA[C>G]TTAAGCCACTGAAAAAGAGGACCTCCCGTTCTGTCCCATCCAAAGCAGCCCGTTCAATTT-3'
Protein context (NP_002327.2, residues 1092-1112): EREVLFFSGL[Ser1102Thr]KPIALALDSR

ClinVar aggregate classification (germline): Uncertain significance (1 of 4 stars; one submission).

Submission:

Labcorp Genetics (formerly Invitae), Labcorp
Classification: Uncertain significance. Last evaluated: 2025-01-06. Review status: criteria provided, single submitter. Criteria: Invitae Variant Classification Sherloc (09022015). Collection method: clinical testing. Allele origin: germline.
Comment: This sequence change replaces serine, which is neutral and polar, with threonine, which is neutral and polar, at codon 1102 of the LRP6 protein (p.Ser1102Thr). This variant is not present in population databases (gnomAD no frequency). This variant has not been reported in the literature in individuals affected with LRP6-related conditions. ClinVar contains an entry for this variant (Variation ID: 2747938). Invitae Evidence Modeling of protein sequence and biophysical properties (such as structural, functional, and spatial information, amino acid conservation, physicochemical variation, residue mobility, and thermodynamic stability) indicates that this missense variant is not expected to disrupt LRP6 protein function with a negative predictive value of 80%. In summary, the available evidence is currently insufficient to determine the role of this variant in disease. Therefore, it has been classified as a Variant of Uncertain Significance.